The following is an entry in ClinVar:

ClinVar aggregate classification (germline): Uncertain significance (1 of 4 stars; one submission).

Conditions:
Atypical hemolytic-uremic syndrome. Identifiers: Orphanet 2134, MedGen C2931788, MONDO:0016244.
Basal laminar drusen. Also called: DRUSEN OF BRUCH MEMBRANE; DRUSEN, CUTICULAR; DRUSEN, EARLY ADULT-ONSET, GROUPED. Identifiers: Orphanet 75376, MedGen C0730295, MONDO:0007472, OMIM 126700.
Factor H deficiency (CFHD). Also called: COMPLEMENT FACTOR H DEFICIENCY; CFH DEFICIENCY. Identifiers: Orphanet 200421, MedGen C0398777, MONDO:0012350, OMIM 609814.
Age related macular degeneration 4. Identifiers: MedGen C1853147, MONDO:0012540, OMIM 610698.

Submission:

Genomenon, Inc
Classification: Uncertain significance for Basal laminar drusen; Age related macular degeneration 4; Atypical hemolytic-uremic syndrome; Factor H deficiency. Last evaluated: 2025-10-02. Review status: criteria provided, single submitter. Criteria: Genomenon Sequence Variant Interpretation Standards - Updated. Collection method: curation. Allele origin: germline. Affected: no.
Comment: CFH p.Arg341Leu (c.1022G>T) is a missense variant that changes the amino acid at residue 341 from Arginine to Leucine. This variant has been reported in the published literature (PMID:23133374). It is absent or not present at a significant frequency in gnomAD. In silico models agree that this variant is not damaging. In conclusion, we classify CFH p.Arg341Leu (c.1022G>T) as a variant of uncertain significance.

Literature cited by the submitters: PubMed 23133374.

NM_000186.4(CFH):c.1022G>T (p.Arg341Leu)

Gene: CFH (complement factor H; plus strand). Cytogenetic location: 1q31.3.
Variant type: single nucleotide variant.
Coding change: c.1022G>T on transcript NM_000186.4 (MANE Select); coding-DNA position 1022, G replaced by T.
Protein change: p.Arg341Leu; replaces arginine 341 with leucine.
Molecular consequence: missense variant.
Genome position (GRCh38, 1-based): chr1:196,689,477, G>T. VCF-style: chr1-196689477-G-T. GRCh37 (hg19) VCF-style: chr1-196658607-G-T.
Other names: c.1022G>T, p.Arg341Leu (NM_001014975.3); short protein forms R341L.
Identifiers: ClinVar variation 4291347 (VCV004291347.1).